The following is an entry in ClinVar:

NM_000059.4(BRCA2):c.8754+249G>A

Gene: BRCA2 (BRCA2 DNA repair associated; plus strand). Cytogenetic location: 13q13.1.
Variant type: single nucleotide variant.
Coding change: c.8754+249G>A on transcript NM_000059.4 (MANE Select); 249 bases into the intron after coding-DNA position 8754, G replaced by A.
Molecular consequence: intron variant.
Genome position (GRCh38, 1-based): chr13:32,377,040, G>A. VCF-style: chr13-32377040-G-A. GRCh37 (hg19) VCF-style: chr13-32951177-G-A.
Other names: IVS 21+249G>A.
Identifiers: ClinVar variation 209838 (VCV000209838.4), dbSNP rs11571760, ClinGen allele CA276806.
Genomic context (GRCh38, chr13:32,377,040, plus strand): 5'-AGTAGAGGATGGGAGGGTTCTAGAATTTTATATATTAATTAAATTTGGTTTAAAATGCAG[G>A]CAAAACTTGTTTTATTTTTGTCCCTCCTGTACTCTGAAGCAAAAAAACTTTTTTATTTTT-3'

ClinVar aggregate classification (germline): Benign. Review status: reviewed by expert panel (3 of 4 stars). 3 submissions from 3 submitters: Benign (1). 2 of the submissions do not count toward it. Last evaluated 2015-01-12.

Conditions:
Breast-ovarian cancer, familial, susceptibility to, 2 (BROVCA2). Also called: BRCA2 Hereditary Breast and Ovarian Cancer. Identifiers: Orphanet 145, MedGen C2675520, MONDO:0012933, OMIM 612555. Disease mechanism: loss of function.

Allele frequency attached by ClinVar (database versions not stated): 1000 Genomes Project 30x 0.00359; 1000 Genomes Project 0.00419; gnomAD 0.01610 and 0.01671; TOPMed 0.01646.
gnomAD v4.1: 2,444 of 152,216 alleles (1.6%); highest among the groups gnomAD compares: Non-Finnish European, 2.7%; 28 homozygotes.

Submissions (3):

Evidence-based Network for the Interpretation of Germline Mutant Alleles (ENIGMA)
Classification: Benign for Breast-ovarian cancer, familial 2. Last evaluated: 2015-01-12. Review status: reviewed by expert panel. Criteria: ENIGMA BRCA1/2 Classification Criteria (2015). Collection method: curation. Allele origin: germline.
Comment: Class 1 not pathogenic based on frequency >1% in an outbred sampleset. Frequency 0.01583 (European), derived from 1000 genomes (2012-04-30).

GeneDx
Classification: Likely benign. Last evaluated: 2018-07-06. Review status: criteria provided, single submitter. Criteria: GeneDx Variant Classification Process June 2021. Collection method: clinical testing. Allele origin: germline. Affected: yes. Not counted in ClinVar's aggregate classification.

Breakthrough Genomics
Classification: Benign. Review status: criteria provided, single submitter. Criteria: ACMG Guidelines, 2015. Collection method: not provided. Allele origin: germline. Inheritance: Autosomal recessive inheritance. Affected: yes. Not counted in ClinVar's aggregate classification.